The following is an entry in ClinVar:

ClinVar aggregate classification (germline): Uncertain significance. Review status: criteria provided, multiple submitters, no conflicts (2 of 4 stars). 5 submissions from 5 submitters: Uncertain significance (5). Last evaluated 2024-11-08.

Conditions:
Hereditary cancer-predisposing syndrome. Also called: Neoplastic Syndromes, Hereditary; Tumor predisposition; Hereditary Cancer Syndrome; Hereditary neoplastic syndrome. Identifiers: Orphanet 140162, MedGen C0027672, MeSH D009386, MONDO:0015356.
Familial cancer of breast. Also called: BREAST CANCER, FAMILIAL; Hereditary breast cancer; hereditary breast carcinoma. Identifiers: Orphanet 227535, MedGen C0346153, MONDO:0016419, OMIM 114480. Disease mechanism: loss of function.

Allele frequency attached by ClinVar (database versions not stated): gnomAD exomes 0.00001; ExAC 0.00002.
gnomAD v4.1: 7 of 1,614,138 alleles (0.00043%); highest among the groups gnomAD compares: Non-Finnish European, 0.00059%; no homozygotes.

Submissions (5):

Quest Diagnostics Nichols Institute San Juan Capistrano
Classification: Uncertain significance. Last evaluated: 2024-11-08. Review status: criteria provided, single submitter. Criteria: Quest Diagnostics criteria. Collection method: clinical testing. Allele origin: unknown.
Comment: The CHEK2 c.269C>T (p.Pro90Leu) variant has been reported in the published literature in a large scale breast cancer association study in 2 breast cancer cases and 1 reportedly healthy individual (PMID: 33471991 (2021), see also LOVD). In another large case-control dataset, this variant was observed in 1 breast cancer case and in 0 reportedly healthy individuals (PMID: 37449874 (2023)). Assessment of experimental evidence regarding the effect of this variant on protein function suggests it has no effect relevant to disease (PMID: 37449874 (2023)). The frequency of this variant in the general population, 0.000026 (3/113656 chromosomes (Genome Aggregation Database)), is uninformative in the assessment of its pathogenicity. Analysis of this variant using bioinformatics tools for the prediction of the effect of amino acid changes on protein structure and function yielded conflicting predictions that this variant is benign or damaging. Based on the available information, we are unable to determine the clinical significance of this variant.

Labcorp Genetics (formerly Invitae), Labcorp
Classification: Uncertain significance for Familial cancer of breast. Last evaluated: 2024-04-29. Review status: criteria provided, single submitter. Criteria: Invitae Variant Classification Sherloc (09022015). Collection method: clinical testing. Allele origin: germline.
Comment: This sequence change replaces proline, which is neutral and non-polar, with leucine, which is neutral and non-polar, at codon 90 of the CHEK2 protein (p.Pro90Leu). This variant is present in population databases (rs758792132, gnomAD 0.003%). This variant has not been reported in the literature in individuals affected with CHEK2-related conditions. ClinVar contains an entry for this variant (Variation ID: 483394). An algorithm developed to predict the effect of missense changes on protein structure and function (PolyPhen-2) suggests that this variant is likely to be disruptive. In summary, the available evidence is currently insufficient to determine the role of this variant in disease. Therefore, it has been classified as a Variant of Uncertain Significance.

Ambry Genetics
Classification: Uncertain significance for Hereditary cancer-predisposing syndrome. Last evaluated: 2024-01-18. Review status: criteria provided, single submitter. Criteria: Ambry Variant Classification Scheme 2023. Collection method: clinical testing. Allele origin: germline.
Comment: The p.P90L variant (also known as c.269C>T), located in coding exon 1 of the CHEK2 gene, results from a C to T substitution at nucleotide position 269. The proline at codon 90 is replaced by leucine, an amino acid with similar properties. This variant was reported in 2/60,466 breast cancer cases and in 1/53,461 controls (Dorling et al. N Engl J Med. 2021 02;384:428-439). This alteration was also reported as functional in a study assessing CHEK2-complementation through quantification of KAP1 phosphorylation and CHK2 autophosphorylation in human RPE1-CHEK2-knockout cells (Stolarova L et al. Clin Cancer Res, 2023 Aug;29:3037-3050). This amino acid position is highly conserved in available vertebrate species. In addition, the in silico prediction for this alteration is inconclusive. Since supporting evidence is limited at this time, the clinical significance of this alteration remains unclear.

GeneDx
Classification: Uncertain significance. Last evaluated: 2023-06-20. Review status: criteria provided, single submitter. Criteria: GeneDx Variant Classification Process June 2021. Collection method: clinical testing. Allele origin: germline. Affected: yes.
Comment: Not observed at significant frequency in large population cohorts (gnomAD); In silico analysis supports that this missense variant has a deleterious effect on protein structure/function; Has not been previously published as pathogenic or benign to our knowledge; This variant is associated with the following publications: (PMID: 33471991)

Color Diagnostics, LLC DBA Color Health
Classification: Uncertain significance for Hereditary cancer-predisposing syndrome. Last evaluated: 2018-08-29. Review status: criteria provided, single submitter. Criteria: ACMG Guidelines, 2015. Collection method: clinical testing. Allele origin: germline.

Literature cited by the submitters: PubMed 37449874 (cited by Quest Diagnostics Nichols Institute San Juan Capistrano and Ambry Genetics); PubMed 33471991 (cited by Quest Diagnostics Nichols Institute San Juan Capistrano and Ambry Genetics); PubMed 35585550 (cited by Quest Diagnostics Nichols Institute San Juan Capistrano); PubMed 35884425 (cited by Quest Diagnostics Nichols Institute San Juan Capistrano); PubMed 30851065 (cited by Quest Diagnostics Nichols Institute San Juan Capistrano).

NM_007194.4(CHEK2):c.269C>T (p.Pro90Leu)

Gene: CHEK2 (checkpoint kinase 2; minus strand). Cytogenetic location: 22q12.1.
Variant type: single nucleotide variant.
Coding change: c.269C>T on transcript NM_007194.4 (MANE Select); coding-DNA position 269, C replaced by T.
Protein change: p.Pro90Leu; replaces proline 90 with leucine.
Molecular consequence: missense variant.
Genome position (GRCh38, 1-based): chr22:28,734,453, G>A on the plus strand (C>T on the coding strand, the complement: CHEK2 is on the minus strand). VCF-style: chr22-28734453-G-A. GRCh37 (hg19) VCF-style: chr22-29130441-G-A.
Other names: c.269C>T, p.Pro90Leu (NM_001005735.3, NM_001349956.3, NM_145862.3); c.-509C>T (NM_001257387.3); short protein forms P90L.
Identifiers: ClinVar variation 483394 (VCV000483394.19), dbSNP rs758792132, ClinGen allele CA10168053.
Genomic context (GRCh38, chr22:28,734,453, plus strand): 5'-AGGGTCTTACCAAGATTGGCAAATCCATCCTGAAGGGCCCATAATCGAGCCCAGGGGGCA[G>A]GGGTAGGCTCCTCAGGTTCTTGGTCCTCAGGTTCTTGGTCCTCAGGAATAGAATAGAGTT-3'
Protein context (NP_009125.1, residues 80-100): PEDQEPEEPT[Pro90Leu]APWARLWALQ